The following is an entry in ClinVar:

NM_138459.5(NUS1):c.482G>A (p.Gly161Asp)

Gene: NUS1 (NUS1 dehydrodolichyl diphosphate synthase subunit; plus strand). Cytogenetic location: 6q22.1.
Variant type: single nucleotide variant.
Coding change: c.482G>A on transcript NM_138459.5 (MANE Select); coding-DNA position 482, G replaced by A.
Protein change: p.Gly161Asp; replaces glycine 161 with aspartic acid.
Molecular consequence: missense variant.
Genome position (GRCh38, 1-based): chr6:117,693,108, G>A. VCF-style: chr6-117693108-G-A. GRCh37 (hg19) VCF-style: chr6-118014271-G-A.
Other names: short protein forms G161D.
Identifiers: ClinVar variation 3667438 (VCV003667438.2).

ClinVar aggregate classification (germline): Uncertain significance (1 of 4 stars; one submission).

Conditions:
Congenital disorder of glycosylation, type Iaa. Also called: Congenital disorder of glycosylation, type 1aa. Identifiers: MedGen C4310727, MONDO:0014904, OMIM 617082.

gnomAD v4.1: 3 of 1,611,600 alleles (0.00019%); highest among the groups gnomAD compares: Middle Eastern, 0.016%; no homozygotes.

Submission:

Labcorp Genetics (formerly Invitae), Labcorp
Classification: Uncertain significance for Congenital disorder of glycosylation, type Iaa. Last evaluated: 2025-03-06. Review status: criteria provided, single submitter. Criteria: Invitae Variant Classification Sherloc (09022015). Collection method: clinical testing. Allele origin: germline.
Comment: This sequence change replaces glycine, which is neutral and non-polar, with aspartic acid, which is acidic and polar, at codon 161 of the NUS1 protein (p.Gly161Asp). This variant is present in population databases (rs777492853, gnomAD 0.0009%). This variant has not been reported in the literature in individuals affected with NUS1-related conditions. An algorithm developed to predict the effect of missense changes on protein structure and function (PolyPhen-2) suggests that this variant is likely to be disruptive. In summary, the available evidence is currently insufficient to determine the role of this variant in disease. Therefore, it has been classified as a Variant of Uncertain Significance.